The following is an entry in ClinVar:

ClinVar aggregate classification (germline): Uncertain significance. Review status: criteria provided, multiple submitters, no conflicts (2 of 4 stars). 2 submissions from 2 submitters: Uncertain significance (2). Last evaluated 2024-03-21.

Conditions:
Glycosylphosphatidylinositol biosynthesis defect 15. Also called: DEVELOPMENTAL DELAY, EPILEPSY, CEREBELLAR ATROPHY, AND OSTEOPENIA. Identifiers: Orphanet 529665, MedGen C4540520, MONDO:0060627, OMIM 617810.

Allele frequency attached by ClinVar (database versions not stated): gnomAD exomes below 0.00001 and 0.00001; ExAC 0.00001; gnomAD 0.00001; TOPMed 0.00002; ESP Exome Variant Server 0.00008.
gnomAD v4.1: 6 of 1,606,976 alleles (0.00037%); highest among the groups gnomAD compares: African/African-American, 0.0013%; no homozygotes.

Submissions (2):

Clinical Genomics Laboratory, Washington University in St. Louis
Classification: Uncertain significance for Glycosylphosphatidylinositol biosynthesis defect 15. Last evaluated: 2024-03-21. Review status: criteria provided, single submitter. Criteria: ACMG Guidelines, 2015. Collection method: clinical testing. Allele origin: germline.
Comment: The GPAA1 c.1372G>A (p.Val458Met) variant, to our knowledge, has not been reported in the medical literature. This variant is only observed on 2/243,370 alleles in the general population (gnomAD v.2.1.1), indicating it is not a common variant. Computational predictors are uncertain as to the impact of this variant on GPAA1 function. This variant has been reported in the ClinVar database as a germline variant of uncertain significance by one submitter. Due to limited information, and based on ACMG/AMP guidelines for variant interpretation (Richards S et al., PMID: 25741868), the clinical significance of this variant is uncertain at this time.

Labcorp Genetics (formerly Invitae), Labcorp
Classification: Uncertain significance. Last evaluated: 2022-10-17. Review status: criteria provided, single submitter. Criteria: Invitae Variant Classification Sherloc (09022015). Collection method: clinical testing. Allele origin: germline.
Comment: This sequence change replaces valine, which is neutral and non-polar, with methionine, which is neutral and non-polar, at codon 458 of the GPAA1 protein (p.Val458Met). This variant is present in population databases (rs376830006, gnomAD 0.002%). This variant has not been reported in the literature in individuals affected with GPAA1-related conditions. ClinVar contains an entry for this variant (Variation ID: 1407979). Advanced modeling of protein sequence and biophysical properties (such as structural, functional, and spatial information, amino acid conservation, physicochemical variation, residue mobility, and thermodynamic stability) performed at Invitae indicates that this missense variant is not expected to disrupt GPAA1 protein function. In summary, the available evidence is currently insufficient to determine the role of this variant in disease. Therefore, it has been classified as a Variant of Uncertain Significance.

NM_003801.4(GPAA1):c.1372G>A (p.Val458Met)

Gene: GPAA1 (glycosylphosphatidylinositol anchor attachment 1; plus strand). Cytogenetic location: 8q24.3.
Variant type: single nucleotide variant.
Coding change: c.1372G>A on transcript NM_003801.4 (MANE Select); coding-DNA position 1372, G replaced by A.
Protein change: p.Val458Met; replaces valine 458 with methionine.
Molecular consequence: missense variant.
Genome position (GRCh38, 1-based): chr8:144,085,400, G>A. VCF-style: chr8-144085400-G-A. GRCh37 (hg19) VCF-style: chr8-145140303-G-A.
Other names: short protein forms V458M.
Identifiers: ClinVar variation 1407979 (VCV001407979.7), dbSNP rs376830006, ClinGen allele CA4933148.